The following is an entry in ClinVar:

ClinVar aggregate classification (germline): Likely pathogenic. Review status: criteria provided, multiple submitters, no conflicts (2 of 4 stars). 3 submissions from 3 submitters: Likely pathogenic (3). Last evaluated 2025-01-28.

Conditions:
Mitochondrial DNA depletion syndrome. Also called: mitochondrial DNA depletion. Identifiers: Orphanet 35698, MedGen C0342782, MONDO:0018158.
Progressive sclerosing poliodystrophy (MTDPS4A). Also called: Alpers Syndrome; ALPERS PROGRESSIVE INFANTILE POLIODYSTROPHY; ALPERS DIFFUSE DEGENERATION OF CEREBRAL GRAY MATTER WITH HEPATIC CIRRHOSIS; Alpers-Huttenlocher Syndrome; Mitochondrial DNA depletion syndrome 4A (Alpers type); Mitochondrial DNA Depletion Syndrome 4A. Identifiers: Orphanet 726, MedGen C0205710, MONDO:0008758, OMIM 203700.
POLG-related disorder. Also called: POLG-related condition; POLG-Related Disorders; POLG-Related Spectrum Disorders. Identifiers: MedGen C4763519.

Allele frequency attached by ClinVar (database versions not stated): gnomAD exomes below 0.00001.
gnomAD v4.1: 1 of 1,614,200 alleles (0.000062%); highest among the groups gnomAD compares: Non-Finnish European, 0.000085%; no homozygotes.

Submissions (3):

Women's Health and Genetics/Laboratory Corporation of America, LabCorp
Classification: Likely pathogenic for Mitochondrial DNA depletion syndrome. Last evaluated: 2025-01-28. Review status: criteria provided, single submitter. Criteria: LabCorp Variant Classification Summary - May 2015. Collection method: clinical testing. Allele origin: germline.
Comment: Variant summary: POLG c.3400C>T (p.His1134Tyr) results in a conservative amino acid change located in the DNA polymerase gamma, palm domain (IPR047580) of the encoded protein sequence. Four of five in-silico tools predict a damaging effect of the variant on protein function. The variant was absent in 251452 control chromosomes. c.3400C>T has been reported in the literature in the compound heterozygous state in trans with a pathogenic variant in an individual affected with POLG-Related Mitochondrial DNA Depletion Syndrome (Darin_2021). Functional experiments found that the variant results a severe polymerase defect in vitro, even at high dNTP concentrations (Darin_2021). The following publication has been ascertained in the context of this evaluation (PMID: 33579567). ClinVar contains an entry for this variant (Variation ID: 1971181). Based on the evidence outlined above, the variant was classified as likely pathogenic.

Blueprint Genetics
Classification: Likely pathogenic for POLG-related disorders. Last evaluated: 2024-11-17. Review status: criteria provided, single submitter. Criteria: ACMG Guidelines, 2015. Collection method: clinical testing. Allele origin: germline. Affected: yes. Observed: 3 variant alleles.

Labcorp Genetics (formerly Invitae), Labcorp
Classification: Likely pathogenic for Progressive sclerosing poliodystrophy. Last evaluated: 2022-11-29. Review status: criteria provided, single submitter. Criteria: Invitae Variant Classification Sherloc (09022015). Collection method: clinical testing. Allele origin: germline.
Comment: In summary, the currently available evidence indicates that the variant is pathogenic, but additional data are needed to prove that conclusively. Therefore, this variant has been classified as Likely Pathogenic. Experimental studies have shown that this missense change affects POLG function (PMID: 33579567). Advanced modeling of protein sequence and biophysical properties (such as structural, functional, and spatial information, amino acid conservation, physicochemical variation, residue mobility, and thermodynamic stability) performed at Invitae indicates that this missense variant is expected to disrupt POLG protein function. This missense change has been observed in individual(s) with autosomal recessive POLG-related conditions (PMID: 33579567). In at least one individual the data is consistent with being in trans (on the opposite chromosome) from a pathogenic variant. This variant is not present in population databases (gnomAD no frequency). This sequence change replaces histidine, which is basic and polar, with tyrosine, which is neutral and polar, at codon 1134 of the POLG protein (p.His1134Tyr).

Literature cited by the submitters: PubMed 33579567 (cited by Women's Health and Genetics/Laboratory Corporation of America, LabCorp and Labcorp Genetics (formerly Invitae), Labcorp).

NM_002693.3(POLG):c.3400C>T (p.His1134Tyr)

Gene: POLG (DNA polymerase gamma, catalytic subunit; minus strand). Cytogenetic location: 15q26.1.
Variant type: single nucleotide variant.
Coding change: c.3400C>T on transcript NM_002693.3 (MANE Select); coding-DNA position 3400, C replaced by T.
Protein change: p.His1134Tyr; replaces histidine 1134 with tyrosine.
Molecular consequence: missense variant.
Genome position (GRCh38, 1-based): chr15:89,318,623, G>A on the plus strand (C>T on the coding strand, the complement: POLG is on the minus strand). VCF-style: chr15-89318623-G-A. GRCh37 (hg19) VCF-style: chr15-89861854-G-A.
Other names: c.3400C>T, p.His1134Tyr (NM_001126131.2); short protein forms H1134Y.
Identifiers: ClinVar variation 1971181 (VCV001971181.8), dbSNP rs2509202643, ClinGen allele CA393749807.
Genomic context (GRCh38, chr15:89,318,623, plus strand): 5'-GCAAGGCCAGGGCAGCGCGGTAGCGGTCCTCCTCCCGCACCAGGTAGCGAACCTCGTCAT[G>A]GATGCTGATGCAGAAGCGCCCATCTATGGCAAACTCTTCAAACAGCCACTTCATGGCCAC-3'
Protein context (NP_002684.1, residues 1124-1144): AIDGRFCISI[His1134Tyr]DEVRYLVREE